The following is an entry in ClinVar:

ClinVar aggregate classification (germline): Uncertain significance. Review status: criteria provided, multiple submitters, no conflicts (2 of 4 stars). 2 submissions from 2 submitters: Uncertain significance (2). Last evaluated 2023-03-22.

Conditions:
Inborn genetic diseases. Identifiers: MedGen C0950123, MeSH D030342.
Kufor-Rakeb syndrome (KRS). Also called: PARKINSON DISEASE 9, AUTOSOMAL RECESSIVE, JUVENILE-ONSET. Identifiers: Orphanet 306674, Orphanet 314632, MedGen C1847640, MONDO:0011706, OMIM 606693.
Autosomal recessive spastic paraplegia type 78. Identifiers: Orphanet 513436, MedGen C5567893, MONDO:0014975, OMIM 617225.

Allele frequency attached by ClinVar (database versions not stated): gnomAD exomes 0.00001; gnomAD 0.00002 and 0.00003; TOPMed 0.00002; ExAC 0.00006.

Submissions (2):

Ambry Genetics
Classification: Uncertain significance for Inborn genetic diseases. Last evaluated: 2023-03-22. Review status: criteria provided, single submitter. Criteria: Ambry Variant Classification Scheme 2023. Collection method: clinical testing. Allele origin: germline.

Labcorp Genetics (formerly Invitae), Labcorp
Classification: Uncertain significance for Kufor-Rakeb syndrome; Autosomal recessive spastic paraplegia type 78. Last evaluated: 2022-10-25. Review status: criteria provided, single submitter. Criteria: Invitae Variant Classification Sherloc (09022015). Collection method: clinical testing. Allele origin: germline.
Comment: This sequence change replaces methionine, which is neutral and non-polar, with threonine, which is neutral and polar, at codon 293 of the ATP13A2 protein (p.Met293Thr). This variant is present in population databases (rs772414750, gnomAD no frequency). This variant has not been reported in the literature in individuals affected with ATP13A2-related conditions. ClinVar contains an entry for this variant (Variation ID: 567424). Advanced modeling of protein sequence and biophysical properties (such as structural, functional, and spatial information, amino acid conservation, physicochemical variation, residue mobility, and thermodynamic stability) performed at Invitae indicates that this missense variant is not expected to disrupt ATP13A2 protein function. In summary, the available evidence is currently insufficient to determine the role of this variant in disease. Therefore, it has been classified as a Variant of Uncertain Significance.

NM_022089.4(ATP13A2):c.878T>C (p.Met293Thr)

Gene: ATP13A2 (ATPase cation transporting 13A2; minus strand). Cytogenetic location: 1p36.13.
Variant type: single nucleotide variant.
Coding change: c.878T>C on transcript NM_022089.4 (MANE Select); coding-DNA position 878, T replaced by C.
Protein change: p.Met293Thr; replaces methionine 293 with threonine.
Molecular consequence: missense variant.
Genome position (GRCh38, 1-based): chr1:17,000,275, A>G on the plus strand (T>C on the coding strand, the complement: ATP13A2 is on the minus strand). VCF-style: chr1-17000275-A-G. GRCh37 (hg19) VCF-style: chr1-17326770-A-G.
Other names: c.878T>C (NM_022089.2); c.863T>C, p.Met288Thr (NM_001141973.3, NM_001141974.3); short protein forms M293T, M288T.
Identifiers: ClinVar variation 567424 (VCV000567424.7), dbSNP rs772414750, ClinGen allele CA637457.